The following is an entry in ClinVar:

ClinVar aggregate classification (germline): Pathogenic (1 of 4 stars; one submission).

gnomAD v4.1: 4 of 1,602,626 alleles (0.00025%); highest among the groups gnomAD compares: Non-Finnish European, 0.00026%; no homozygotes.

Submission:

Labcorp Genetics (formerly Invitae), Labcorp
Classification: Pathogenic. Last evaluated: 2015-09-03. Review status: criteria provided, single submitter. Criteria: Invitae Variant Classification Sherloc (09022015). Collection method: clinical testing. Allele origin: germline.
Comment: Experimental studies have shown that the c.491+1G>A change results in an in-frame deletion of exon 4, which leads to reduced expression and mislocalization of EPCAM protein (PMID: 18572020, 23462293). This sequence change affects a donor splice site in intron 4. It is expected to disrupt mRNA splicing and likely results in an absent or disrupted protein product. While this particular variant has not been reported in the literature, a similar change (c.491+1G>A) has been observed as homozygous or compound heterozygous with another pathogenic variant in individuals with congenital tufting enteropathy (PMID: 18572020, 20981223). For these reasons, this variant has been classified as Pathogenic.

Literature cited by the submitters: PubMed 18572020; PubMed 23462293; PubMed 20981223.

NM_002354.3(EPCAM):c.491+1G>T

Gene: EPCAM (epithelial cell adhesion molecule; plus strand). Cytogenetic location: 2p21.
Variant type: single nucleotide variant.
Coding change: c.491+1G>T on transcript NM_002354.3 (MANE Select); the canonical splice donor site of the intron after coding-DNA position 491, G replaced by T.
Molecular consequence: splice donor variant.
Genome position (GRCh38, 1-based): chr2:47,375,300, G>T. VCF-style: chr2-47375300-G-T. GRCh37 (hg19) VCF-style: chr2-47602439-G-T.
Identifiers: ClinVar variation 220128 (VCV000220128.9), dbSNP rs606231203, ClinGen allele CA349323.